The following is an entry in ClinVar:

ClinVar aggregate classification (germline): Likely pathogenic (1 of 4 stars; one submission).

gnomAD v4.1: 4 of 1,166,677 alleles (0.00034%); highest among the groups gnomAD compares: Non-Finnish European, 0.00046%; no homozygotes.

Submissions (2):

Labcorp Genetics (formerly Invitae), Labcorp
Classification: Likely pathogenic. Last evaluated: 2021-04-16. Review status: criteria provided, single submitter. Criteria: Invitae Variant Classification Sherloc (09022015). Collection method: clinical testing. Allele origin: germline.
Comment: Algorithms developed to predict the effect of sequence changes on RNA splicing suggest that this variant may disrupt the consensus splice site, but this prediction has not been confirmed by published transcriptional studies. This variant has been observed in individual(s) with clinical features of an inherited retinal disease (Invitae). This variant is not present in population databases (ExAC no frequency). This sequence change affects a donor splice site in intron 13 of the CACNA1F gene. It is expected to disrupt RNA splicing and likely results in an absent or disrupted protein product. In summary, the currently available evidence indicates that the variant is pathogenic, but additional data are needed to prove that conclusively. Therefore, this variant has been classified as Likely Pathogenic. Donor and acceptor splice site variants typically lead to a loss of protein function (PMID: 16199547), and loss-of-function variants in CACNA1F are known to be pathogenic (PMID: 9662399, 11281458, 17525176, 22194652, 24124559, 26992781).

Dr. Peter K. Rogan Lab, Western University
No classification provided (evidence only). Condition: Nonpapillary renal cell carcinoma. Review status: no classification provided. Collection method: in vitro. Allele origin: not applicable. Functional consequence: retained intron. Not counted in ClinVar's aggregate classification.

Literature cited by the submitters: PubMed 16199547 (cited by Labcorp Genetics (formerly Invitae), Labcorp); PubMed 9662399 (cited by Labcorp Genetics (formerly Invitae), Labcorp); PubMed 11281458 (cited by Labcorp Genetics (formerly Invitae), Labcorp); PubMed 17525176 (cited by Labcorp Genetics (formerly Invitae), Labcorp); PubMed 22194652 (cited by Labcorp Genetics (formerly Invitae), Labcorp); PubMed 24124559 (cited by Labcorp Genetics (formerly Invitae), Labcorp); PubMed 26992781 (cited by Labcorp Genetics (formerly Invitae), Labcorp).

NM_001256789.3(CACNA1F):c.1651+2T>C

Gene: CACNA1F (calcium voltage-gated channel subunit alpha1 F; minus strand). Cytogenetic location: Xp11.23.
Variant type: single nucleotide variant.
Coding change: c.1651+2T>C on transcript NM_001256789.3 (MANE Select); the canonical splice donor site of the intron after coding-DNA position 1651, T replaced by C.
Molecular consequence: splice donor variant.
Genome position (GRCh38, 1-based): chrX:49,225,907, A>G on the plus strand (T>C on the coding strand, the complement: CACNA1F is on the minus strand). VCF-style: chrX-49225907-A-G. GRCh37 (hg19) VCF-style: chrX-49082369-A-G.
Other names: c.1684+2T>C (NM_005183.4); c.1489+2T>C (NM_001256790.3).
Identifiers: ClinVar variation 1067991 (VCV001067991.10), dbSNP rs2147917894, ClinGen allele CA412915975.